The following is an entry in ClinVar:

ClinVar aggregate classification (germline): Likely benign. Review status: criteria provided, multiple submitters, no conflicts (2 of 4 stars). 4 submissions from 4 submitters: Likely benign (3). 1 of the submissions does not count toward it. Last evaluated 2026-05-13.

Conditions:
Hereditary cancer-predisposing syndrome. Also called: Neoplastic Syndromes, Hereditary; Tumor predisposition; Hereditary neoplastic syndrome; Hereditary Cancer Syndrome. Identifiers: Orphanet 140162, MedGen C0027672, MeSH D009386, MONDO:0015356.
Neurofibromatosis, type 1 (NF1). Also called: VON RECKLINGHAUSEN DISEASE; NEUROFIBROMATOSIS, TYPE I, SOMATIC; Neurofibromatosis, type I; Peripheral type neurofibromatosis. Identifiers: Orphanet 636, MedGen C0027831, MONDO:0018975, OMIM 162200. Disease mechanism: loss of function.
NF1-related disorder. Also called: NF1-related condition. Identifiers: MedGen CN379171.
Cardiovascular phenotype. Identifiers: MedGen CN230736.

Submissions (4):

Myriad Genetics, Inc.
Classification: Likely benign for Neurofibromatosis, type 1. Last evaluated: 2026-05-13. Review status: criteria provided, single submitter. Criteria: Myriad Autosomal Dominant, Autosomal Recessive and X-Linked Classification Criteria (2023). Collection method: clinical testing. Allele origin: unknown.
Comment: This variant is considered likely benign. This variant is intronic and is not expected to impact mRNA splicing.

Ambry Genetics
Classification: Likely benign for Cardiovascular phenotype; Hereditary cancer-predisposing syndrome. Last evaluated: 2022-11-18. Review status: criteria provided, single submitter. Criteria: Ambry Variant Classification Scheme 2023. Collection method: clinical testing. Allele origin: germline.

Sema4
Classification: Likely benign for Hereditary cancer-predisposing syndrome. Last evaluated: 2020-08-31. Review status: criteria provided, single submitter. Criteria: Sema4 Curation Guidelines. Collection method: curation. Allele origin: germline.

PreventionGenetics, part of Exact Sciences
Classification: Likely benign for NF1-related condition. Last evaluated: 2020-08-17. Review status: no assertion criteria provided. Collection method: clinical testing. Allele origin: germline. Not counted in ClinVar's aggregate classification.
Comment: This variant is classified as likely benign based on ACMG/AMP sequence variant interpretation guidelines (Richards et al. 2015 PMID: 25741868, with internal and published modifications).

NM_001042492.3(NF1):c.7190-5dup

Gene: NF1 (neurofibromin 1; plus strand). Cytogenetic location: 17q11.2.
Variant type: Duplication.
Coding change: c.7190-5dup on transcript NM_001042492.3 (MANE Select); 5 bases into the intron before coding-DNA position 7190, one base duplicated (T; older notation c.7190-5dupT).
Molecular consequence: intron variant.
Genome position (GRCh38, 1-based): chr17:31,349,115, T duplicated; the last of 6 consecutive T bases (chr17:31,349,110-31,349,115); duplicating any one gives the same sequence. VCF-style (leftmost placement, unchanged base first): chr17-31349109-G-GT. GRCh37 (hg19) VCF-style: chr17-29676127-G-GT.
Other names: c.7127-5dupT (NM_000267.3); c.7127-11_7127-10insT (NM_000267.3); c.7127-5dup (NM_000267.4); c.7190-5dupT (NM_001042492.2).
Identifiers: ClinVar variation 1692347 (VCV001692347.6), dbSNP rs769290414, ClinGen allele CA8487524.